The following is an entry in ClinVar:

ClinVar aggregate classification (germline): Conflicting classifications of pathogenicity. Review status: criteria provided, conflicting classifications (1 of 4 stars). 4 submissions from 4 submitters: Pathogenic (1); Likely pathogenic (2); Uncertain significance (1). Last evaluated 2024-03-21.

Conditions:
Classic homocystinuria. Also called: Homocystinuria due to Cystathionine Beta-Synthase Deficiency; Homocystinuria due to CBS deficiency; Cystathionine beta-synthase deficiency; CBS deficiency; HOMOCYSTINURIA WITH OR WITHOUT RESPONSE TO PYRIDOXINE. Identifiers: Orphanet 394, MedGen C0751202, MONDO:0009352, OMIM 236200.
HYPERHOMOCYSTEINEMIA, THROMBOTIC, CBS-RELATED. Identifiers: MedGen C3150344, OMIM 236200.

Allele frequency attached by ClinVar (database versions not stated): gnomAD exomes below 0.00001 and 0.00001.
gnomAD v4.1: 4 of 393,198 alleles (0.001%); highest among the groups gnomAD compares: Admixed American, 0.0036%; no homozygotes.

Submissions (4):

Baylor Genetics
Classification: Likely pathogenic for Classic homocystinuria. Last evaluated: 2024-03-21. Review status: criteria provided, single submitter. Criteria: ACMG Guidelines, 2015. Collection method: clinical testing. Allele origin: unknown.

Labcorp Genetics (formerly Invitae), Labcorp
Classification: Pathogenic for HYPERHOMOCYSTEINEMIA, THROMBOTIC, CBS-RELATED. Last evaluated: 2023-11-10. Review status: criteria provided, single submitter. Criteria: Invitae Variant Classification Sherloc (09022015). Collection method: clinical testing. Allele origin: germline.
Comment: This sequence change replaces isoleucine, which is neutral and non-polar, with threonine, which is neutral and polar, at codon 95 of the CBS protein (p.Ile95Thr). This variant is present in population databases (no rsID available, gnomAD 0.003%). This missense change has been observed in individual(s) with homocystinuria (PMID: 29352562; Invitae). In at least one individual the data is consistent with being in trans (on the opposite chromosome) from a pathogenic variant. It has also been observed to segregate with disease in related individuals. ClinVar contains an entry for this variant (Variation ID: 471361). Advanced modeling of protein sequence and biophysical properties (such as structural, functional, and spatial information, amino acid conservation, physicochemical variation, residue mobility, and thermodynamic stability) performed at Invitae indicates that this missense variant is expected to disrupt CBS protein function with a positive predictive value of 95%. Experimental studies have shown that this missense change affects CBS function (PMID: 29352562). For these reasons, this variant has been classified as Pathogenic.

Revvity Omics, Revvity
Classification: Likely pathogenic for Classic homocystinuria. Last evaluated: 2022-05-20. Review status: criteria provided, single submitter. Criteria: ACMG Guidelines, 2015. Collection method: clinical testing. Allele origin: germline.

Myriad Genetics, Inc.
Classification: Uncertain significance for Classic homocystinuria. Last evaluated: 2021-11-08. Review status: criteria provided, single submitter. Criteria: Myriad Women's Health Autosomal Recessive and X-Linked Classification Criteria (2021). Collection method: clinical testing. Allele origin: unknown.
Comment: NM_000071.2(CBS):c.284T>C(I95T) is a missense variant classified as a variant of uncertain significance in the context of homocystinuria, CBS-related. I95T has been observed in a case with relevant disease (PMID: 29352562). Functional assessments of this variant are available in the literature (PMID: 29352562, 20455263). I95T has been observed in population frequency databases (gnomAD: AMR <0.002%). In summary, there is insufficient evidence to classify NM_000071.2(CBS):c.284T>C(I95T) as pathogenic or benign. Please note: this variant was assessed in the context of healthy population screening.

Literature cited by the submitters: PubMed 29352562 (cited by Labcorp Genetics (formerly Invitae), Labcorp and Myriad Genetics, Inc.); PubMed 20455263 (cited by Myriad Genetics, Inc.).

NM_000071.3(CBS):c.284T>C (p.Ile95Thr)

Gene: CBS (cystathionine beta-synthase; minus strand). Cytogenetic location: 21q22.3.
Variant type: single nucleotide variant.
Coding change: c.284T>C on transcript NM_000071.3 (MANE Select); coding-DNA position 284, T replaced by C.
Protein change: p.Ile95Thr; replaces isoleucine 95 with threonine.
Molecular consequence: missense variant.
Genome position (GRCh38, 1-based): chr21:43,068,541, A>G on the plus strand (T>C on the coding strand, the complement: CBS is on the minus strand). VCF-style: chr21-43068541-A-G. GRCh37 (hg19) VCF-style: chr21-44488651-A-G.
Other names: c.284T>C, p.Ile95Thr (NM_001178008.3, NM_001178009.3, NM_001320298.2); short protein forms I95T.
Identifiers: ClinVar variation 471361 (VCV000471361.19), dbSNP rs1347662650, ClinGen allele CA410602047.